The following is an entry in ClinVar:

ClinVar aggregate classification (germline): Likely pathogenic (1 of 4 stars; one submission).

Submission:

GeneDx
Classification: Likely pathogenic. Last evaluated: 2015-06-02. Review status: criteria provided, single submitter. Criteria: GeneDx Variant Classification (06012015). Collection method: clinical testing. Allele origin: germline. Affected: yes.
Comment: The D454G variant in the INPP5E gene has not been published as a mutation, nor has it been reported as a benign polymorphism to our knowledge. The D454G variant was not observed in approximately 6300 individuals of European and African American ancestry in the NHLBI Exome Sequencing Project, indicating it is not a common benign variant in these populations. The D454G variant is a non-conservative amino acid substitution, which is likely to impact secondary protein structure as these residues differ in polarity, charge, size and/or other properties. This substitution occurs at a position that is not conserved across species. In silico analysis predicts this variant is probably damaging to the protein structure/function. The D454G variant is a good candidate for a pathogenic variant, however the possibility it may be a rare benign variant cannot be excluded.

NM_019892.6(INPP5E):c.1361A>G (p.Asp454Gly)

Gene: INPP5E (inositol polyphosphate-5-phosphatase E; minus strand). Cytogenetic location: 9q34.3.
Variant type: single nucleotide variant.
Coding change: c.1361A>G on transcript NM_019892.6 (MANE Select); coding-DNA position 1361, A replaced by G.
Protein change: p.Asp454Gly; replaces aspartic acid 454 with glycine.
Molecular consequence: missense variant.
Genome position (GRCh38, 1-based): chr9:136,432,505, T>C on the plus strand (A>G on the coding strand, the complement: INPP5E is on the minus strand). VCF-style: chr9-136432505-T-C. GRCh37 (hg19) VCF-style: chr9-139326957-T-C.
Other names: c.1358A>G, p.Asp453Gly (NM_001318502.2); short protein forms D454G, D453G.
Identifiers: ClinVar variation 372388 (VCV000372388.2), dbSNP rs1057517749, ClinGen allele CA16042688.